The following is an entry in ClinVar:

ClinVar aggregate classification (germline): Uncertain significance (1 of 4 stars; one submission).

Conditions:
Distal myopathy with posterior leg and anterior hand involvement. Also called: WILLIAMS DISTAL MYOPATHY. Identifiers: Orphanet 63273, MedGen C3279722, MONDO:0013550, OMIM 614065.
Hypertrophic cardiomyopathy 26. Also called: Cardiomyopathy, familial hypertrophic, 26. Identifiers: Orphanet 75249, MedGen C4310749, MONDO:0014883, OMIM 617047.
Myofibrillar myopathy 5. Also called: Filaminopathy (type); FILAMINOPATHY, AUTOSOMAL DOMINANT. Identifiers: Orphanet 171445, MedGen C1836050, MONDO:0012289, OMIM 609524.

Submission:

Labcorp Genetics (formerly Invitae), Labcorp
Classification: Uncertain significance for Distal myopathy with posterior leg and anterior hand involvement; Myofibrillar myopathy 5; Hypertrophic cardiomyopathy 26. Last evaluated: 2024-05-02. Review status: criteria provided, single submitter. Criteria: Invitae Variant Classification Sherloc (09022015). Collection method: clinical testing. Allele origin: germline.
Comment: This sequence change replaces threonine, which is neutral and polar, with isoleucine, which is neutral and non-polar, at codon 842 of the FLNC protein (p.Thr842Ile). This variant is not present in population databases (gnomAD no frequency). This variant has not been reported in the literature in individuals affected with FLNC-related conditions. Advanced modeling of protein sequence and biophysical properties (such as structural, functional, and spatial information, amino acid conservation, physicochemical variation, residue mobility, and thermodynamic stability) has been performed at Invitae for this missense variant, however the output from this modeling did not meet the statistical confidence thresholds required to predict the impact of this variant on FLNC protein function. In summary, the available evidence is currently insufficient to determine the role of this variant in disease. Therefore, it has been classified as a Variant of Uncertain Significance.

NM_001458.5(FLNC):c.2525C>T (p.Thr842Ile)

Gene: FLNC (filamin C; plus strand). Cytogenetic location: 7q32.1.
Variant type: single nucleotide variant.
Coding change: c.2525C>T on transcript NM_001458.5 (MANE Select); coding-DNA position 2525, C replaced by T.
Protein change: p.Thr842Ile; replaces threonine 842 with isoleucine.
Molecular consequence: missense variant.
Genome position (GRCh38, 1-based): chr7:128,842,929, C>T. VCF-style: chr7-128842929-C-T. GRCh37 (hg19) VCF-style: chr7-128482983-C-T.
Other names: c.2525C>T, p.Thr842Ile (NM_001127487.2); short protein forms T842I.
Identifiers: ClinVar variation 3751821 (VCV003751821.2).